The following is an entry in ClinVar:

NM_002334.4(LRP4):c.1123_1126dup (p.Val376fs)

Gene: LRP4 (LDL receptor related protein 4; minus strand). Cytogenetic location: 11p11.2.
Variant type: Duplication.
Coding change: c.1123_1126dup on transcript NM_002334.4 (MANE Select); coding-DNA positions 1123 to 1126, 4 bases duplicated (GCAG; older notation c.1123_1126dupGCAG).
Protein change: p.Val376fs; shifts the reading frame from valine 376.
Molecular consequence: frameshift variant.
Genome position (GRCh38, 1-based): chr11:46,895,941-46,895,944, CTGC duplicated on the plus strand (GCAG on the coding strand, the reverse complement: LRP4 is on the minus strand); duplicating any 4 consecutive bases within chr11:46,895,941-46,895,945 gives the same sequence; the c. name uses the placement nearest the transcript's 3' end. VCF-style (leftmost placement, unchanged base first): chr11-46895940-A-ACTGC. GRCh37 (hg19) VCF-style: chr11-46917491-A-ACTGC.
Other names: short protein forms V376fs.
Identifiers: ClinVar variation 2950364 (VCV002950364.3), dbSNP rs758169152, ClinGen allele CA5970258.

ClinVar aggregate classification (germline): Pathogenic (1 of 4 stars; one submission).

Conditions:
Cenani-Lenz syndactyly syndrome. Also called: CENANI SYNDACTYLISM; SYNDACTYLY, TYPE VII. Identifiers: Orphanet 3258, MedGen C1859309, MONDO:0008931, OMIM 212780.
Congenital myasthenic syndrome 17. Identifiers: Orphanet 590, MedGen C4225377, MONDO:0014578, OMIM 616304.
Sclerosteosis 2 (SOST2). Identifiers: Orphanet 3152, MedGen C3280402, MONDO:0013679, OMIM 614305.

Submission:

Labcorp Genetics (formerly Invitae), Labcorp
Classification: Pathogenic for Cenani-Lenz syndactyly syndrome; Sclerosteosis 2; Congenital myasthenic syndrome 17. Last evaluated: 2023-07-27. Review status: criteria provided, single submitter. Criteria: Invitae Variant Classification Sherloc (09022015). Collection method: clinical testing. Allele origin: germline.
Comment: For these reasons, this variant has been classified as Pathogenic. Algorithms developed to predict the effect of sequence changes on RNA splicing suggest that this variant may disrupt the consensus splice site. This variant has not been reported in the literature in individuals affected with LRP4-related conditions. This variant is present in population databases (rs758169152, gnomAD 0.0009%). This sequence change creates a premature translational stop signal (p.Val376Glyfs*24) in the LRP4 gene. It is expected to result in an absent or disrupted protein product. Loss-of-function variants in LRP4 are known to be pathogenic (PMID: 23636941, 24924585).

Literature cited by the submitters: PubMed 23636941; PubMed 24924585.